The following is an entry in ClinVar:

ClinVar aggregate classification (germline): Uncertain significance (1 of 4 stars; one submission).

Conditions:
Polyglandular autoimmune syndrome, type 1 (APS1). Also called: HYPOADRENOCORTICISM WITH HYPOPARATHYROIDISM AND SUPERFICIAL MONILIASIS; Autoimmune polyendocrine syndrome type 1; Autoimmune polyendocrinopathy syndrome , type I, with or without reversible metaphyseal dysplasia; APS I; PGA I; Whitaker syndrome. Identifiers: Orphanet 3453, MedGen C0085859, MONDO:0009411, OMIM 240300.

Submission:

Labcorp Genetics (formerly Invitae), Labcorp
Classification: Uncertain significance for Polyglandular autoimmune syndrome, type 1. Last evaluated: 2024-10-26. Review status: criteria provided, single submitter. Criteria: Invitae Variant Classification Sherloc (09022015). Collection method: clinical testing. Allele origin: germline.
Comment: This sequence change replaces leucine, which is neutral and non-polar, with phenylalanine, which is neutral and non-polar, at codon 519 of the AIRE protein (p.Leu519Phe). This variant is not present in population databases (gnomAD no frequency). This variant has not been reported in the literature in individuals affected with AIRE-related conditions. ClinVar contains an entry for this variant (Variation ID: 2108285). Invitae Evidence Modeling of protein sequence and biophysical properties (such as structural, functional, and spatial information, amino acid conservation, physicochemical variation, residue mobility, and thermodynamic stability) has been performed for this missense variant. However, the output from this modeling did not meet the statistical confidence thresholds required to predict the impact of this variant on AIRE protein function. In summary, the available evidence is currently insufficient to determine the role of this variant in disease. Therefore, it has been classified as a Variant of Uncertain Significance.

NM_000383.4(AIRE):c.1555C>T (p.Leu519Phe)

Genes: AIRE (autoimmune regulator; plus strand), LOC130066813 (ATAC-STARR-seq lymphoblastoid silent region 13378; plus strand). Cytogenetic location: 21q22.3.
Variant type: single nucleotide variant.
Coding change: c.1555C>T on transcript NM_000383.4 (MANE Select); coding-DNA position 1555, C replaced by T.
Protein change: p.Leu519Phe; replaces leucine 519 with phenylalanine.
Molecular consequence: missense variant.
Genome position (GRCh38, 1-based): chr21:44,296,434, C>T. VCF-style: chr21-44296434-C-T. GRCh37 (hg19) VCF-style: chr21-45716317-C-T.
Other names: short protein forms L519F.
Identifiers: ClinVar variation 2108285 (VCV002108285.4), dbSNP rs2040608637, ClinGen allele CA410426165.